The following is an entry in ClinVar:

NM_001165963.4(SCN1A):c.4002+2093C>T

Genes: SCN1A (sodium voltage-gated channel alpha subunit 1; minus strand), LOC102724058 (uncharacterized LOC102724058; plus strand). Cytogenetic location: 2q24.3.
Variant type: single nucleotide variant.
Coding change: c.4002+2093C>T on transcript NM_001165963.4 (MANE Select); 2093 bases into the intron after coding-DNA position 4002, C replaced by T.
Molecular consequence: intron variant.
Genome position (GRCh38, 1-based): chr2:166,007,626, G>A on the plus strand (C>T on the coding strand, the complement: SCN1A is on the minus strand). VCF-style: chr2-166007626-G-A. GRCh37 (hg19) VCF-style: chr2-166864136-G-A.
Other names: c.3969+2093C>T (NM_001353949.2, NM_001353950.2, NM_001353951.2 and 2 more transcripts); c.3918+2093C>T (NM_001353958.2, NM_001353957.2, NM_001165964.3); c.4002+2093C>T (NM_001202435.3, NM_001353948.2); c.3966+2093C>T (NM_001353955.2, NM_001353954.2); c.3915+2093C>T (NM_001353960.2); c.1560+2093C>T (NM_001353961.2).
Identifiers: ClinVar variation 4699110 (VCV004699110.1).
Genomic context (GRCh38, chr2:166,007,626, plus strand): 5'-ACAATAAATGTTTAAAAGCTGTCAGCCAGAAATGTGCATAAAACATGCAAAACACAAAGT[G>A]CAACGTGATGATAATTTATTTGTTACTTTCTAACTTCTTATCAAGCACTGTACAACATGC-3'

ClinVar aggregate classification (germline): Uncertain significance (1 of 4 stars; one submission).

Conditions:
Early-infantile DEE. Also called: Early infantile epileptic encephalopathy with suppression bursts; Early infantile epileptic encephalopathy; Ohtahara syndrome. Identifiers: Orphanet 1934, MedGen C0393706, MONDO:0800491.

gnomAD v4.1: 1 of 151,338 alleles (0.00066%); highest among the groups gnomAD compares: Non-Finnish European, 0.0015%; no homozygotes.

Submission:

Labcorp Genetics (formerly Invitae), Labcorp
Classification: Uncertain significance for Early-infantile DEE. Last evaluated: 2025-11-03. Review status: criteria provided, single submitter. Criteria: Invitae Variant Classification Sherloc (09022015). Collection method: clinical testing. Allele origin: germline.
Comment: This sequence change falls in intron 20 of the SCN1A gene. It does not directly change the encoded amino acid sequence of the SCN1A protein. However, this sequence change falls within a region encompassing a cryptic exon in the SCN1A gene, in which variants have been shown to alter splicing (PMID: 30526861, 34107977). This variant is present in population databases (no rsID available, gnomAD 0.007%). This variant has not been reported in the literature in individuals affected with SCN1A-related conditions. Algorithms developed to predict the effect of sequence changes on RNA splicing suggest that this variant is not likely to affect RNA splicing. In summary, the available evidence is currently insufficient to determine the role of this variant in disease. Therefore, it has been classified as a Variant of Uncertain Significance.

Literature cited by the submitters: PubMed 30526861; PubMed 34107977.